The following is an entry in ClinVar:

ClinVar aggregate classification (germline): Likely benign (1 of 4 stars; one submission).

gnomAD v4.1: 2 of 1,613,162 alleles (0.00012%); highest among the groups gnomAD compares: Non-Finnish European, 0.00017%; no homozygotes.

Submission:

CeGaT Center for Human Genetics Tuebingen
Classification: Likely benign. Last evaluated: 2024-08-01. Review status: criteria provided, single submitter. Criteria: CeGaT Center For Human Genetics Tuebingen Variant Classification Criteria Version 2. Collection method: clinical testing. Allele origin: germline. Affected: yes. Observed: 1 variant allele.
Comment: CDKN1A: BP4, BP7

NM_000389.5(CDKN1A):c.27T>C (p.Arg9=)

Gene: CDKN1A (cyclin dependent kinase inhibitor 1A; plus strand). Cytogenetic location: 6p21.2.
Variant type: single nucleotide variant.
Coding change: c.27T>C on transcript NM_000389.5 (MANE Select); coding-DNA position 27, T replaced by C.
Protein change: p.Arg9=; no amino-acid change (arginine 9 retained).
Molecular consequence: synonymous variant.
Genome position (GRCh38, 1-based): chr6:36,684,128, T>C. VCF-style: chr6-36684128-T-C. GRCh37 (hg19) VCF-style: chr6-36651905-T-C.
Other names: c.27T>C, p.Arg9= (NM_001220777.2, NM_001220778.2, NM_001374511.1 and 3 more transcripts); c.129T>C, p.Arg43= (NM_001291549.3, NM_001374509.1); c.66T>C, p.Arg22= (NM_001374510.1).
Identifiers: ClinVar variation 3341812 (VCV003341812.16).